The following is an entry in ClinVar:

ClinVar aggregate classification (germline): Likely benign. Review status: criteria provided, multiple submitters, no conflicts (2 of 4 stars). 3 submissions from 3 submitters: Likely benign (2). 1 of the submissions does not count toward it. Last evaluated 2024-02-22.

Conditions:
Familial dysautonomia. Also called: FD; HSAN III. Identifiers: Orphanet 1764, MedGen C0013364, MONDO:0009131, OMIM 223900. Disease mechanism: loss of function.

Allele frequency attached by ClinVar (database versions not stated): TOPMed below 0.00001; ExAC 0.00001; gnomAD 0.00001 and 0.00002; gnomAD exomes 0.00001 and 0.00004; ESP Exome Variant Server 0.00008.
gnomAD v4.1: 60 of 1,614,158 alleles (0.0037%); highest among the groups gnomAD compares: Non-Finnish European, 0.005%; no homozygotes.

Submissions (3):

Labcorp Genetics (formerly Invitae), Labcorp
Classification: Likely benign. Last evaluated: 2024-02-22. Review status: criteria provided, single submitter. Criteria: Invitae Variant Classification Sherloc (09022015). Collection method: clinical testing. Allele origin: germline.

GeneDx
Classification: Likely benign. Last evaluated: 2017-10-27. Review status: criteria provided, single submitter. Criteria: GeneDx Variant Classification (06012015). Collection method: clinical testing. Allele origin: germline. Affected: yes.
Comment: This variant is considered likely benign or benign based on one or more of the following criteria: it is a conservative change, it occurs at a poorly conserved position in the protein, it is predicted to be benign by multiple in silico algorithms, and/or has population frequency not consistent with disease.

Natera, Inc.
Classification: Likely benign for Familial dysautonomia. Last evaluated: 2018-12-31. Review status: no assertion criteria provided. Collection method: clinical testing. Allele origin: germline. Not counted in ClinVar's aggregate classification.

NM_003640.5(ELP1):c.2394T>C (p.Pro798=)

Gene: ELP1 (elongator acetyltransferase complex subunit 1; minus strand). Cytogenetic location: 9q31.3.
Variant type: single nucleotide variant.
Coding change: c.2394T>C on transcript NM_003640.5 (MANE Select); coding-DNA position 2394, T replaced by C.
Protein change: p.Pro798=; no amino-acid change (proline 798 retained).
Molecular consequence: synonymous variant.
Genome position (GRCh38, 1-based): chr9:108,897,255, A>G on the plus strand (T>C on the coding strand, the complement: ELP1 is on the minus strand). VCF-style: chr9-108897255-A-G. GRCh37 (hg19) VCF-style: chr9-111659535-A-G.
Other names: c.2394T>C (LRG_251t1); c.2052T>C, p.Pro684= (NM_001318360.2); c.1347T>C, p.Pro449= (NM_001330749.2).
Identifiers: ClinVar variation 512977 (VCV000512977.12), dbSNP rs138819925, ClinGen allele CA5174652.